The following is an entry in ClinVar:

NM_001165963.4(SCN1A):c.541G>T (p.Glu181Ter)

Gene: SCN1A (sodium voltage-gated channel alpha subunit 1; minus strand). Cytogenetic location: 2q24.3.
Variant type: single nucleotide variant.
Coding change: c.541G>T on transcript NM_001165963.4 (MANE Select); coding-DNA position 541, G replaced by T.
Protein change: p.Glu181Ter; replaces glutamic acid 181 with a stop codon.
Molecular consequence: nonsense. On other transcripts: 5 prime UTR variant (1), non-coding transcript variant (1).
Genome position (GRCh38, 1-based): chr2:166,054,699, C>A on the plus strand (G>T on the coding strand, the complement: SCN1A is on the minus strand). VCF-style: chr2-166054699-C-A. GRCh37 (hg19) VCF-style: chr2-166911209-C-A.
Other names: c.541G>T, p.Glu181Ter (NM_001353948.2, NM_001353949.2, NM_001353950.2 and 10 more transcripts); c.-1885G>T (NM_001353961.2); short protein forms E181*.
Identifiers: ClinVar variation 3720382 (VCV003720382.3).

ClinVar aggregate classification (germline): Pathogenic. Review status: criteria provided, multiple submitters, no conflicts (2 of 4 stars). 2 submissions from 2 submitters: Pathogenic (2). Last evaluated 2025-10-02.

Conditions:
Early-infantile DEE. Also called: Ohtahara syndrome; Early infantile epileptic encephalopathy; Early infantile epileptic encephalopathy with suppression bursts. Identifiers: Orphanet 1934, MedGen C0393706, MONDO:0800491.

Submissions (2):

Dasa
Classification: Pathogenic. Last evaluated: 2025-10-02. Review status: criteria provided, single submitter. Criteria: DASA Assertion Criteria. Collection method: clinical testing. Allele origin: germline.
Comment: NM_001165963.4(SCN1A):c.541G>T (p.Glu181*) introduces a premature termination codon predicted to result in loss of normal protein function. Loss-of-function is an established mechanism of disease for this gene. This variant has been reported in individuals with related phenotype (PMID: 19522081). The variant is present at low frequency in population datasets. Based on the available data, this variant is classified as pathogenic.

Labcorp Genetics (formerly Invitae), Labcorp
Classification: Pathogenic for Early-infantile DEE. Last evaluated: 2024-09-10. Review status: criteria provided, single submitter. Criteria: Invitae Variant Classification Sherloc (09022015). Collection method: clinical testing. Allele origin: germline.
Comment: This sequence change creates a premature translational stop signal (p.Glu181*) in the SCN1A gene. It is expected to result in an absent or disrupted protein product. Loss-of-function variants in SCN1A are known to be pathogenic (PMID: 17347258, 18930999). This variant is not present in population databases (gnomAD no frequency). This premature translational stop signal has been observed in individual(s) with autosomal dominant generalized epilepsy with febrile seizures plus (PMID: 19522081). Algorithms developed to predict the effect of sequence changes on RNA splicing suggest that this variant may disrupt the consensus splice site. For these reasons, this variant has been classified as Pathogenic.

Literature cited by the submitters: PubMed 19522081 (cited by Dasa and Labcorp Genetics (formerly Invitae), Labcorp); PubMed 17347258 (cited by Labcorp Genetics (formerly Invitae), Labcorp); PubMed 18930999 (cited by Labcorp Genetics (formerly Invitae), Labcorp).